The following is an entry in ClinVar:

NM_000722.4(CACNA2D1):c.1781A>G (p.Asn594Ser)

Gene: CACNA2D1 (calcium voltage-gated channel auxiliary subunit alpha2delta 1; minus strand). Cytogenetic location: 7q21.11.
Variant type: single nucleotide variant.
Coding change: c.1781A>G on transcript NM_000722.4 (MANE Select); coding-DNA position 1781, A replaced by G.
Protein change: p.Asn594Ser; replaces asparagine 594 with serine.
Molecular consequence: missense variant.
Genome position (GRCh38, 1-based): chr7:81,991,200, T>C on the plus strand (A>G on the coding strand, the complement: CACNA2D1 is on the minus strand). VCF-style: chr7-81991200-T-C. GRCh37 (hg19) VCF-style: chr7-81620516-T-C.
Other names: c.1838A>G, p.Asn613Ser (NM_001366867.1); short protein forms N594S, N613S.
Identifiers: ClinVar variation 2628896 (VCV002628896.1), dbSNP rs1430029895, ClinGen allele CA367876548.

ClinVar aggregate classification (germline): Uncertain significance (1 of 4 stars; one submission).

Conditions:
CACNA2D1-related disorder. Also called: CACNA2D1-related condition.

Allele frequency attached by ClinVar (database versions not stated): TOPMed below 0.00001; gnomAD 0.00001.

Submission:

PreventionGenetics, part of Exact Sciences
Classification: Uncertain significance for CACNA2D1-related condition. Last evaluated: 2023-09-14. Review status: criteria provided, single submitter. Criteria: ACMG Guidelines, 2015. Collection method: clinical testing. Allele origin: germline.
Comment: The CACNA2D1 c.1781A>G variant is predicted to result in the amino acid substitution p.Asn594Ser. To our knowledge, this variant has not been reported in the literature or in a large population database, indicating this variant is rare. At this time, the clinical significance of this variant is uncertain due to the absence of conclusive functional and genetic evidence.